The following is an entry in ClinVar:

NM_004092.4(ECHS1):c.836T>C (p.Phe279Ser)

Gene: ECHS1 (enoyl-CoA hydratase, short chain 1; minus strand). Cytogenetic location: 10q26.3.
Variant type: single nucleotide variant.
Coding change: c.836T>C on transcript NM_004092.4 (MANE Select); coding-DNA position 836, T replaced by C.
Protein change: p.Phe279Ser; replaces phenylalanine 279 with serine.
Molecular consequence: missense variant.
Genome position (GRCh38, 1-based): chr10:133,362,905, A>G on the plus strand (T>C on the coding strand, the complement: ECHS1 is on the minus strand). VCF-style: chr10-133362905-A-G. GRCh37 (hg19) VCF-style: chr10-135176409-A-G.
Other names: short protein forms F279S.
Identifiers: ClinVar variation 451145 (VCV000451145.11), dbSNP rs1554885535, ClinGen allele CA378817002.
Genomic context (GRCh38, chr10:133,362,905, plus strand): 5'-TGTGAAGCAGGGGCAGCTGGTTCTCACTGGTCTTTGAAGTTGGCCTTTCTCTTTTCCACA[A>G]ACGCGGTCATCCCTTCTTTCCGGTCATCCTGGCAGGAAAAGGAACAGAAACAGAGCTGGA-3'
Protein context (NP_004083.3, residues 269-289): TDDRKEGMTA[Phe279Ser]VEKRKANFKD

ClinVar aggregate classification (germline): Conflicting classifications of pathogenicity. Review status: criteria provided, conflicting classifications (1 of 4 stars). 5 submissions from 5 submitters: Likely pathogenic (1); Uncertain significance (4). Last evaluated 2022-10-13.

Conditions:
Mitochondrial short-chain Enoyl-Coa hydratase 1 deficiency. Also called: Mitochondrial Short-Chain Enoyl-CoA Hydratase Deficiency; PxMD-ECHS1; ECHS1 deficiency. Identifiers: Orphanet 255241, Orphanet 653880, MedGen C4225391, MONDO:0014563, OMIM 616277.

gnomAD v4.1: 4 of 1,614,124 alleles (0.00025%); highest among the groups gnomAD compares: Non-Finnish European, 0.00034%; no homozygotes.

Submissions (5):

GeneDx
Classification: Likely pathogenic. Last evaluated: 2022-10-13. Review status: criteria provided, single submitter. Criteria: GeneDx Variant Classification Process June 2021. Collection method: clinical testing. Allele origin: germline. Affected: yes.
Comment: Not observed in large population cohorts (gnomAD); In silico analysis supports that this missense variant has a deleterious effect on protein structure/function; This variant is associated with the following publications: (PMID: 28202214, 29882869, 31944285)

Labcorp Genetics (formerly Invitae), Labcorp
Classification: Uncertain significance. Last evaluated: 2021-10-27. Review status: criteria provided, single submitter. Criteria: Invitae Variant Classification Sherloc (09022015). Collection method: clinical testing. Allele origin: germline.
Comment: This sequence change replaces phenylalanine, a(n) neutral and non-polar amino acid, with serine, a(n) neutral and polar amino acid, at codon 279 of the ECHS1 protein (p.Phe279Ser). This variant is not present in population databases (gnomAD no frequency). This missense change has been observed in individual(s) with ECHS1-related conditions (PMID: 28202214). ClinVar contains an entry for this variant (Variation ID: 451145). Advanced modeling of protein sequence and biophysical properties (such as structural, functional, and spatial information, amino acid conservation, physicochemical variation, residue mobility, and thermodynamic stability) performed at Invitae indicates that this missense variant is expected to disrupt ECHS1 protein function. In summary, the available evidence is currently insufficient to determine the role of this variant in disease. Therefore, it has been classified as a Variant of Uncertain Significance.

Baylor Genetics
Classification: Uncertain significance for Mitochondrial short-chain Enoyl-Coa hydratase 1 deficiency. Last evaluated: 2020-03-28. Review status: criteria provided, single submitter. Criteria: ACMG Guidelines, 2015. Collection method: clinical testing. Allele origin: unknown. Affected: yes.
Comment: This variant was determined to be of uncertain significance according to ACMG Guidelines, 2015 [PMID:25741868].

Revvity Omics, Revvity
Classification: Uncertain significance for Mitochondrial short-chain Enoyl-Coa hydratase 1 deficiency. Last evaluated: 2019-12-24. Review status: criteria provided, single submitter. Criteria: ACMG Guidelines, 2015. Collection method: clinical testing. Allele origin: germline.

Fulgent Genetics
Classification: Uncertain significance for Mitochondrial short-chain Enoyl-Coa hydratase 1 deficiency. Last evaluated: 2018-10-31. Review status: criteria provided, single submitter. Criteria: ACMG Guidelines, 2015. Collection method: clinical testing. Allele origin: unknown.

Literature cited by the submitters: PubMed 28202214 (cited by Labcorp Genetics (formerly Invitae), Labcorp).